The following is an entry in ClinVar:

NM_001012339.3(DNAJC21):c.427G>A (p.Asp143Asn)

Gene: DNAJC21 (DnaJ heat shock protein family (Hsp40) member C21; plus strand). Cytogenetic location: 5p13.2.
Variant type: single nucleotide variant.
Coding change: c.427G>A on transcript NM_001012339.3 (MANE Select); coding-DNA position 427, G replaced by A.
Protein change: p.Asp143Asn; replaces aspartic acid 143 with asparagine.
Molecular consequence: missense variant.
Genome position (GRCh38, 1-based): chr5:34,936,255, G>A. VCF-style: chr5-34936255-G-A. GRCh37 (hg19) VCF-style: chr5-34936360-G-A.
Other names: c.427G>A, p.Asp143Asn (NM_001348420.2, NM_194283.4); short protein forms D143N.
Identifiers: ClinVar variation 3273117 (VCV003273117.2).
Genomic context (GRCh38, chr5:34,936,255, plus strand): 5'-CTAGAATCTGTGTTAGAGGAAGAGGTTGATGATTTCCCAACTTTTGGAGACTCCCAGAGT[G>A]ACTATGATACGGTAAAATAAAAATGCATTGTTCTATAATTAGTATTTATCACTGTGTCAT-3'
Protein context (NP_001012339.2, residues 133-153): DFPTFGDSQS[Asp143Asn]YDTVVHPFYA

ClinVar aggregate classification (germline): Uncertain significance. Review status: criteria provided, multiple submitters, no conflicts (2 of 4 stars). 2 submissions from 2 submitters: Uncertain significance (2). Last evaluated 2025-12-08.

Conditions:
Inborn genetic diseases. Identifiers: MedGen C0950123, MeSH D030342.

gnomAD v4.1: 8 of 1,611,810 alleles (0.0005%); highest among the groups gnomAD compares: African/African-American, 0.0013%; no homozygotes.

Submissions (2):

Labcorp Genetics (formerly Invitae), Labcorp
Classification: Uncertain significance. Last evaluated: 2025-12-08. Review status: criteria provided, single submitter. Criteria: Invitae Variant Classification Sherloc (09022015). Collection method: clinical testing. Allele origin: germline.
Comment: This sequence change replaces aspartic acid, which is acidic and polar, with asparagine, which is neutral and polar, at codon 143 of the DNAJC21 protein (p.Asp143Asn). This variant is present in population databases (rs777369967, gnomAD 0.002%). This variant has not been reported in the literature in individuals affected with DNAJC21-related conditions. ClinVar contains an entry for this variant (Variation ID: 3273117). An algorithm developed to predict the effect of missense changes on protein structure and function (PolyPhen-2) suggests that this variant is likely to be disruptive. In summary, the available evidence is currently insufficient to determine the role of this variant in disease. Therefore, it has been classified as a Variant of Uncertain Significance.

Ambry Genetics
Classification: Uncertain significance for Inborn genetic diseases. Last evaluated: 2024-06-07. Review status: criteria provided, single submitter. Criteria: Ambry Variant Classification Scheme 2023. Collection method: clinical testing. Allele origin: germline.